The following is an entry in ClinVar:

NM_005359.6(SMAD4):c.1418del (p.Gly473fs)

Gene: SMAD4 (SMAD family member 4; plus strand). Cytogenetic location: 18q21.2.
Variant type: Deletion.
Coding change: c.1418del on transcript NM_005359.6 (MANE Select); coding-DNA position 1418, one base deleted (G; older notation c.1418delG).
Protein change: p.Gly473fs; shifts the reading frame from glycine 473.
Molecular consequence: frameshift variant.
Genome position (GRCh38, 1-based): chr18:51,076,747, G deleted; the last of 2 consecutive G bases (chr18:51,076,746-51,076,747); deleting either gives the same sequence. VCF-style (leftmost placement, unchanged base first): chr18-51076745-AG-A. GRCh37 (hg19) VCF-style: chr18-48603115-AG-A.
Other names: c.1418delG (NM_005359.5); short protein forms G473fs.
Identifiers: ClinVar variation 486454 (VCV000486454.6), dbSNP rs1555687388, ClinGen allele CA658658752.
Genomic context (GRCh38, chr18:51,076,745, plus strand): 5'-TACTGCACAAGCTGCAGCAGCTGCCCAGGCAGCAGCCGTGGCAGGAAACATCCCTGGCCC[AG>A]GATCAGTAGGTGGAATAGCTCCAGCTATCAGTAAGTATGCTTTTCATTCTTTTTTAAAGG-3'

ClinVar aggregate classification (germline): Pathogenic. Review status: criteria provided, multiple submitters, no conflicts (2 of 4 stars). 2 submissions from 2 submitters: Pathogenic (2). Last evaluated 2024-02-09.

Conditions:
Hereditary cancer-predisposing syndrome. Also called: Hereditary neoplastic syndrome; Tumor predisposition; Neoplastic Syndromes, Hereditary; Hereditary Cancer Syndrome. Identifiers: Orphanet 140162, MedGen C0027672, MeSH D009386, MONDO:0015356.
Familial thoracic aortic aneurysm and aortic dissection (TAAD). Also called: Thoracic aortic aneurysms and dissections. Identifiers: Orphanet 91387, MedGen C4707243, MONDO:0019625.
Juvenile polyposis/hereditary hemorrhagic telangiectasia syndrome (JPHT). Also called: Juvenile Polyposis Syndrome / Hereditary Hemorrhagic Telangiectasia (JPS/HHT); JP/HHT SYNDROME; JUVENILE POLYPOSIS WITH HEREDITARY HEMORRHAGIC TELANGIECTASIA; POLYPOSIS, GENERALIZED JUVENILE, WITH PULMONARY ARTERIOVENOUS MALFORMATION; TELANGIECTASIA, HEREDITARY HEMORRHAGIC, WITH JUVENILE POLYPOSIS COLI. Identifiers: Orphanet 2929, MedGen C1832942, MONDO:0008278, OMIM 175050.

Submissions (2):

Myriad Genetics, Inc.
Classification: Pathogenic for Juvenile polyposis/hereditary hemorrhagic telangiectasia syndrome. Last evaluated: 2024-02-09. Review status: criteria provided, single submitter. Criteria: Myriad Autosomal Dominant, Autosomal Recessive and X-Linked Classification Criteria (2023). Collection method: clinical testing. Allele origin: unknown.
Comment: This variant is considered pathogenic. This variant creates a frameshift predicted to result in premature protein truncation.

Ambry Genetics
Classification: Pathogenic for Hereditary cancer-predisposing syndrome; Familial thoracic aortic aneurysm and aortic dissection. Last evaluated: 2017-08-28. Review status: criteria provided, single submitter. Criteria: Ambry Variant Classification Scheme 2023. Collection method: clinical testing. Allele origin: germline.
Comment: The c.1418delG pathogenic mutation, located in coding exon 10 of the SMAD4 gene, results from a deletion of one nucleotide at nucleotide position 1418, causing a translational frameshift with a predicted alternate stop codon (p.G473Dfs*3). This alteration is expected to result in loss of function by premature protein truncation or nonsense-mediated mRNA decay. As such, this alteration is interpreted as a disease-causing mutation.